The following is an entry in ClinVar:

NM_001370259.2(MEN1):c.1392G>C (p.Ala464=)

Gene: MEN1 (menin 1; minus strand). Cytogenetic location: 11q13.1.
Variant type: single nucleotide variant.
Coding change: c.1392G>C on transcript NM_001370259.2 (MANE Select); coding-DNA position 1392, G replaced by C.
Protein change: p.Ala464=; no amino-acid change (alanine 464 retained).
Molecular consequence: synonymous variant.
Genome position (GRCh38, 1-based): chr11:64,804,775, C>G on the plus strand (G>C on the coding strand, the complement: MEN1 is on the minus strand). VCF-style: chr11-64804775-C-G. GRCh37 (hg19) VCF-style: chr11-64572247-C-G.
Other names: c.1407G>C, p.Ala469= (NM_130800.3, NM_130801.3, NM_130802.3 and 3 more transcripts); c.1518G>C, p.Ala506= (NM_001370251.2); c.1392G>C, p.Ala464= (NM_001370260.2, NM_001370261.2, NM_130799.3); c.1287G>C, p.Ala429= (NM_001370262.2, NM_001370263.2); c.1392G>C (NM_130799.2).
Identifiers: ClinVar variation 1089125 (VCV001089125.11), dbSNP rs754445482, ClinGen allele CA475163529.

ClinVar aggregate classification (germline): Benign/Likely benign. Review status: criteria provided, multiple submitters, no conflicts (2 of 4 stars). 3 submissions from 3 submitters: Benign (1); Likely benign (2). Last evaluated 2025-08-27.

Conditions:
Hereditary cancer-predisposing syndrome. Also called: Tumor predisposition; Neoplastic Syndromes, Hereditary; Hereditary Cancer Syndrome; Hereditary neoplastic syndrome. Identifiers: Orphanet 140162, MedGen C0027672, MeSH D009386, MONDO:0015356.
Multiple endocrine neoplasia, type 1 (MEN1). Also called: MEN I; WERMER SYNDROME; Endocrine adenomatosis multiple; MEN 1; MEA I. Identifiers: Orphanet 652, MedGen C0025267, MeSH D018761, MONDO:0007540, OMIM 131100.

Submissions (3):

Labcorp Genetics (formerly Invitae), Labcorp
Classification: Likely benign for Multiple endocrine neoplasia, type 1. Last evaluated: 2025-08-27. Review status: criteria provided, single submitter. Criteria: Invitae Variant Classification Sherloc (09022015). Collection method: clinical testing. Allele origin: germline.

Myriad Genetics, Inc.
Classification: Benign for Multiple endocrine neoplasia, type 1. Last evaluated: 2024-11-05. Review status: criteria provided, single submitter. Criteria: Myriad Autosomal Dominant, Autosomal Recessive and X-Linked Classification Criteria (2023). Collection method: clinical testing. Allele origin: unknown.
Comment: This variant is considered benign. This variant is a silent/synonymous amino acid change and it is not expected to impact splicing.

Ambry Genetics
Classification: Likely benign for Hereditary cancer-predisposing syndrome. Last evaluated: 2023-11-17. Review status: criteria provided, single submitter. Criteria: Ambry Variant Classification Scheme 2023. Collection method: clinical testing. Allele origin: germline.